The following is an entry in ClinVar:

ClinVar aggregate classification (germline): Uncertain significance. Review status: criteria provided, multiple submitters, no conflicts (2 of 4 stars). 2 submissions from 2 submitters: Uncertain significance (2). Last evaluated 2025-03-13.

Allele frequency attached by ClinVar (database versions not stated): gnomAD exomes below 0.00001.
gnomAD v4.1: 2 of 1,614,048 alleles (0.00012%); highest among the groups gnomAD compares: Non-Finnish European, 0.00017%; no homozygotes.

Submissions (2):

GeneDx
Classification: Uncertain significance. Last evaluated: 2025-03-13. Review status: criteria provided, single submitter. Criteria: GeneDx Variant Classification Process June 2021. Collection method: clinical testing. Allele origin: germline. Affected: yes.
Comment: Not observed at significant frequency in large population cohorts (gnomAD); In silico analysis indicates that this missense variant does not alter protein structure/function; Has not been previously published as pathogenic or benign to our knowledge

Labcorp Genetics (formerly Invitae), Labcorp
Classification: Uncertain significance. Last evaluated: 2024-10-15. Review status: criteria provided, single submitter. Criteria: Invitae Variant Classification Sherloc (09022015). Collection method: clinical testing. Allele origin: germline.
Comment: This sequence change replaces glutamic acid, which is acidic and polar, with glutamine, which is neutral and polar, at codon 194 of the PRPF8 protein (p.Glu194Gln). This variant is not present in population databases (gnomAD no frequency). This variant has not been reported in the literature in individuals affected with PRPF8-related conditions. ClinVar contains an entry for this variant (Variation ID: 2125195). Invitae Evidence Modeling of protein sequence and biophysical properties (such as structural, functional, and spatial information, amino acid conservation, physicochemical variation, residue mobility, and thermodynamic stability) indicates that this missense variant is not expected to disrupt PRPF8 protein function with a negative predictive value of 80%. In summary, the available evidence is currently insufficient to determine the role of this variant in disease. Therefore, it has been classified as a Variant of Uncertain Significance.

NM_006445.4(PRPF8):c.580G>C (p.Glu194Gln)

Gene: PRPF8 (pre-mRNA processing factor 8; minus strand). Cytogenetic location: 17p13.3.
Variant type: single nucleotide variant.
Coding change: c.580G>C on transcript NM_006445.4 (MANE Select); coding-DNA position 580, G replaced by C.
Protein change: p.Glu194Gln; replaces glutamic acid 194 with glutamine.
Molecular consequence: missense variant.
Genome position (GRCh38, 1-based): chr17:1,681,893, C>G on the plus strand (G>C on the coding strand, the complement: PRPF8 is on the minus strand). VCF-style: chr17-1681893-C-G. GRCh37 (hg19) VCF-style: chr17-1585187-C-G.
Other names: c.580G>C (NM_006445.3); short protein forms E194Q.
Identifiers: ClinVar variation 2125195 (VCV002125195.5), dbSNP rs2543782939, ClinGen allele CA397568694.